The following is an entry in ClinVar:

NM_000277.3(PAH):c.913-7A>G

Gene: PAH (phenylalanine hydroxylase; minus strand). Cytogenetic location: 12q23.2.
Variant type: single nucleotide variant.
Coding change: c.913-7A>G on transcript NM_000277.3 (MANE Select); 7 bases into the intron before coding-DNA position 913, A replaced by G.
Molecular consequence: intron variant.
Genome position (GRCh38, 1-based): chr12:102,846,958, T>C on the plus strand (A>G on the coding strand, the complement: PAH is on the minus strand). VCF-style: chr12-102846958-T-C. GRCh37 (hg19) VCF-style: chr12-103240736-T-C.
Other names: c.913-7A>G (NM_001354304.2, NM_000277.2).
Identifiers: ClinVar variation 102894 (VCV000102894.21), dbSNP rs62517165, ClinGen allele CA229848.
Genomic context (GRCh38, chr12:102,846,958, plus strand): 5'-GGCGAGCTTTTCAATGTATTCATCAGGTGCACCCAGAGAGGCAAGGCCAATTTCCTGTAA[T>C]TGGGGGAAAATAGAACCTGTTCTGTTCCTGTAATTGGAACCACAGAACCAACCTAGTACT-3'

ClinVar aggregate classification (germline): Likely pathogenic. Review status: reviewed by expert panel (3 of 4 stars). 9 submissions from 9 submitters: Likely pathogenic (1). 8 of the submissions do not count toward it. Last evaluated 2020-02-16.

Conditions:
Phenylketonuria (PKU). Also called: Phenylketonuria (PKU); FOLLING DISEASE; OLIGOPHRENIA PHENYLPYRUVICA; Phenylketonurias. Identifiers: Orphanet 716, MedGen C0031485, MONDO:0009861, OMIM 261600. Disease mechanism: loss of function.

Allele frequency attached by ClinVar (database versions not stated): gnomAD exomes 0.00001 and 0.00002; gnomAD 0.00002 and 0.00001; TOPMed below 0.00001.
gnomAD v4.1: 28 of 1,612,694 alleles (0.0017%); highest among the groups gnomAD compares: Non-Finnish European, 0.0023%; no homozygotes.

Submissions (9):

ClinGen PAH Variant Curation Expert Panel
Classification: Likely pathogenic for Phenylketonuria. Last evaluated: 2020-02-16. Review status: reviewed by expert panel. Criteria: ClinGen PAH ACMG Specifications v1. Collection method: curation. Allele origin: germline. Inheritance: Autosomal recessive inheritance.
Comment: The c.913-7A>G variant in PAH has been reported in multiple individuals with PAH deficiency (BH4 deficiency excluded) PMID: 9634518, 16601866. This variant has extremely low frequency in gnomAD (MAF=0.00003). This variant was detected with 10 different variants for a total of 3.75 points (PM3_Strong. Computational evidence predicts splicing changes. In summary, this variant meets criteria to be classified as likely pathogenic for PAH. PAH-specific ACMG/AMP criteria applied: PP4_Moderate, PM2, PM3_Strong, PP3.

Natera, Inc.
Classification: Pathogenic for Phenylketonuria. Last evaluated: 2025-12-26. Review status: criteria provided, single submitter. Criteria: Natera Variant Classification Schema (03/2026). Collection method: clinical testing. Allele origin: germline. Not counted in ClinVar's aggregate classification.
Comment: The c.913-7A>G variant in PAH is an intronic variant located outside the canonical splice sites. This variant is rare in the general population with a frequency below the threshold expected for the associated phenotype(s). This variant has been observed in one or more individuals affected with the associated recessive disease, as either homozygous or compound heterozygous with a second variant (PMID: 29499199, 30050108). Computational prediction algorithms indicate this variant is likely to affect gene or protein function. Given the available evidence, this variant is classified as Pathogenic.

Labcorp Genetics (formerly Invitae), Labcorp
Classification: Pathogenic for Phenylketonuria. Last evaluated: 2024-04-14. Review status: criteria provided, single submitter. Criteria: Invitae Variant Classification Sherloc (09022015). Collection method: clinical testing. Allele origin: germline. Not counted in ClinVar's aggregate classification.
Comment: This sequence change falls in intron 8 of the PAH gene. It does not directly change the encoded amino acid sequence of the PAH protein. This variant is present in population databases (rs62517165, gnomAD 0.003%). This variant has been observed in individual(s) with phenylketonuria (PKU) (PMID: 26600521, 29499199, 29653233). In at least one individual the data is consistent with being in trans (on the opposite chromosome) from a pathogenic variant. This variant is also known as IVS8-7A>G. ClinVar contains an entry for this variant (Variation ID: 102894). Algorithms developed to predict the effect of sequence changes on RNA splicing suggest that this variant may disrupt the consensus splice site. For these reasons, this variant has been classified as Pathogenic.

Fulgent Genetics
Classification: Likely pathogenic for Phenylketonuria. Last evaluated: 2021-07-12. Review status: criteria provided, single submitter. Criteria: ACMG Guidelines, 2015. Collection method: clinical testing. Allele origin: unknown. Not counted in ClinVar's aggregate classification.

Quest Diagnostics Nichols Institute San Juan Capistrano
Classification: Pathogenic. Last evaluated: 2019-11-12. Review status: criteria provided, single submitter. Criteria: Quest Diagnostics criteria. Collection method: clinical testing. Allele origin: unknown. Not counted in ClinVar's aggregate classification.
Comment: Found in at least one patient with expected phenotype for this gene. Predicted to negatively affect a known splice site, causing an out-of-frame effect. Low nucleotide conservation. In multiple individuals, this variant has been seen with a single recessive pathogenic variant in the same gene, suggesting this variant may also be pathogenic. Assessment of experimental evidence suggests this variant results in abnormal protein function.

Eurofins Ntd Llc (ga)
Classification: Pathogenic. Last evaluated: 2016-11-18. Review status: criteria provided, single submitter. Criteria: EGL Classification Definitions 2015. Collection method: clinical testing. Allele origin: germline. Observed: 2 variant alleles, 2 heterozygotes. Not counted in ClinVar's aggregate classification.

Women's Health and Genetics/Laboratory Corporation of America, LabCorp
Classification: Pathogenic for Phenylketonuria. Last evaluated: 2016-04-18. Review status: criteria provided, single submitter. Criteria: LabCorp Variant Classification Summary - May 2015. Collection method: clinical testing. Allele origin: germline. Not counted in ClinVar's aggregate classification.
Comment: Variant summary: Variant affects a non-conserved nucleotide located in close proximity of an exon-intron boundary. 5/5 in silico tools predict the variant to create a splice acceptor site7 nucleotides upstream of the intron 8/ exon 9 splice junction. The variant was observed in the general population by the ExAC project at an allele frequency of 0.00082% which does not exceed the maximal expected allele frequency of a disease causing PAH allele (~0.8%). It was reported in several PKU/HPA patients with a second pathogenic mutation on the other allele indicating pathogenicity. HGMD lists variant as Pathogenic. Considering all evidence, the variant was classified as Pathogenic.

Counsyl
Classification: Likely pathogenic for Phenylketonuria. Last evaluated: 2017-05-19. Review status: no assertion criteria provided. Collection method: clinical testing. Allele origin: unknown. Not counted in ClinVar's aggregate classification.

DeBelle Laboratory for Biochemical Genetics, MUHC/MCH RESEARCH INSTITUTE
No classification provided. Review status: no classification provided. Collection method: not provided. Allele origin: not provided. Not counted in ClinVar's aggregate classification.

Literature cited by the submitters: PubMed 22513348 (cited by 3 submitters); PubMed 24401910 (cited by 3 submitters); PubMed 24350308 (cited by 3 submitters); PubMed 24048906 (cited by 3 submitters); PubMed 24130151 (cited by 3 submitters); PubMed 26666653 (cited by 3 submitters); PubMed 26322415 (cited by 3 submitters); PubMed 16601866 (cited by 3 submitters); PubMed 9634518 (cited by ClinGen PAH Variant Curation Expert Panel); PubMed 8981952 (cited by 3 submitters); PubMed 29499199 (cited by Natera, Inc. and Labcorp Genetics (formerly Invitae), Labcorp); PubMed 30050108 (cited by Natera, Inc.); PubMed 26600521 (cited by Labcorp Genetics (formerly Invitae), Labcorp); PubMed 29653233 (cited by Labcorp Genetics (formerly Invitae), Labcorp); PubMed 23357515 (cited by 3 submitters); PubMed 23430918 (cited by Quest Diagnostics Nichols Institute San Juan Capistrano and Counsyl); PubMed 16256386 (cited by Quest Diagnostics Nichols Institute San Juan Capistrano and Counsyl); PubMed 12655553 (cited by Quest Diagnostics Nichols Institute San Juan Capistrano and Counsyl); PubMed 10394930 (cited by Quest Diagnostics Nichols Institute San Juan Capistrano and Counsyl); PubMed 10356315 (cited by Quest Diagnostics Nichols Institute San Juan Capistrano and Women's Health and Genetics/Laboratory Corporation of America, LabCorp).